The following is an entry in ClinVar:

NM_004371.4(COPA):c.2728C>G (p.Pro910Ala)

Gene: COPA (coat protein complex I subunit alpha; minus strand). Cytogenetic location: 1q23.2.
Variant type: single nucleotide variant.
Coding change: c.2728C>G on transcript NM_004371.4 (MANE Select); coding-DNA position 2728, C replaced by G.
Protein change: p.Pro910Ala; replaces proline 910 with alanine.
Molecular consequence: missense variant.
Genome position (GRCh38, 1-based): chr1:160,293,412, G>C on the plus strand (C>G on the coding strand, the complement: COPA is on the minus strand). VCF-style: chr1-160293412-G-C. GRCh37 (hg19) VCF-style: chr1-160263202-G-C.
Other names: c.2755C>G, p.Pro919Ala (NM_001098398.2); short protein forms P910A, P919A.
Identifiers: ClinVar variation 4742390 (VCV004742390.1).

ClinVar aggregate classification (germline): Uncertain significance (1 of 4 stars; one submission).

Conditions:
Autoimmune interstitial lung disease-arthritis syndrome. Also called: Autoinflammation and autoimmunity, systemic, with immune dysregulation. Identifiers: Orphanet 444092, MedGen C5975714, MONDO:0014629.

Submission:

Labcorp Genetics (formerly Invitae), Labcorp
Classification: Uncertain significance for Autoimmune interstitial lung disease-arthritis syndrome. Last evaluated: 2025-04-19. Review status: criteria provided, single submitter. Criteria: Invitae Variant Classification Sherloc (09022015). Collection method: clinical testing. Allele origin: germline.
Comment: This sequence change replaces proline, which is neutral and non-polar, with alanine, which is neutral and non-polar, at codon 910 of the COPA protein (p.Pro910Ala). This variant is not present in population databases (gnomAD no frequency). This variant has not been reported in the literature in individuals affected with COPA-related conditions. Invitae Evidence Modeling of protein sequence and biophysical properties (such as structural, functional, and spatial information, amino acid conservation, physicochemical variation, residue mobility, and thermodynamic stability) has been performed for this missense variant. However, the output from this modeling did not meet the statistical confidence thresholds required to predict the impact of this variant on COPA protein function. In summary, the available evidence is currently insufficient to determine the role of this variant in disease. Therefore, it has been classified as a Variant of Uncertain Significance.